The following is an entry in ClinVar:

NM_182972.3(IRF2BP2):c.972G>C (p.Lys324Asn)

Genes: IRF2BP2 (interferon regulatory factor 2 binding protein 2; minus strand), LOC129932810 (ATAC-STARR-seq lymphoblastoid active region 2760; plus strand). Cytogenetic location: 1q42.3.
Variant type: single nucleotide variant.
Coding change: c.972G>C on transcript NM_182972.3 (MANE Select); coding-DNA position 972, G replaced by C.
Protein change: p.Lys324Asn; replaces lysine 324 with asparagine.
Molecular consequence: missense variant.
Genome position (GRCh38, 1-based): chr1:234,608,523, C>G on the plus strand (G>C on the coding strand, the complement: IRF2BP2 is on the minus strand). VCF-style: chr1-234608523-C-G. GRCh37 (hg19) VCF-style: chr1-234744269-C-G.
Other names: c.972G>C, p.Lys324Asn (NM_001077397.1); short protein forms K324N.
Identifiers: ClinVar variation 2235588 (VCV002235588.5), dbSNP rs374664827, ClinGen allele CA39545987.

ClinVar aggregate classification (germline): Uncertain significance. Review status: criteria provided, multiple submitters, no conflicts (2 of 4 stars). 2 submissions from 2 submitters: Uncertain significance (2). Last evaluated 2023-08-03.

Allele frequency attached by ClinVar (database versions not stated): gnomAD 0.00001; ESP Exome Variant Server 0.00008.
gnomAD v4.1: 4 of 1,610,858 alleles (0.00025%); highest among the groups gnomAD compares: African/African-American, 0.0053%; no homozygotes.

Submissions (2):

Labcorp Genetics (formerly Invitae), Labcorp
Classification: Uncertain significance. Last evaluated: 2023-08-03. Review status: criteria provided, single submitter. Criteria: Invitae Variant Classification Sherloc (09022015). Collection method: clinical testing. Allele origin: germline.
Comment: In summary, the available evidence is currently insufficient to determine the role of this variant in disease. Therefore, it has been classified as a Variant of Uncertain Significance. An algorithm developed to predict the effect of missense changes on protein structure and function (PolyPhen-2) suggests that this variant is likely to be disruptive. ClinVar contains an entry for this variant (Variation ID: 2235588). This variant has not been reported in the literature in individuals affected with IRF2BP2-related conditions. This variant is present in population databases (rs374664827, gnomAD 0.004%). This sequence change replaces lysine, which is basic and polar, with asparagine, which is neutral and polar, at codon 324 of the IRF2BP2 protein (p.Lys324Asn).

Ambry Genetics
Classification: Uncertain significance. Last evaluated: 2021-07-09. Review status: criteria provided, single submitter. Criteria: Ambry Variant Classification Scheme 2023. Collection method: clinical testing. Allele origin: germline.